The following is an entry in ClinVar:

NM_003611.3(OFD1):c.2788A>T (p.Ile930Leu)

Gene: OFD1 (OFD1 centriole and centriolar satellite protein; plus strand). Cytogenetic location: Xp22.2.
Variant type: single nucleotide variant.
Coding change: c.2788A>T on transcript NM_003611.3 (MANE Select); coding-DNA position 2788, A replaced by T.
Protein change: p.Ile930Leu; replaces isoleucine 930 with leucine.
Molecular consequence: missense variant.
Genome position (GRCh38, 1-based): chrX:13,768,084, A>T. VCF-style: chrX-13768084-A-T. GRCh37 (hg19) VCF-style: chrX-13786203-A-T.
Other names: c.2668A>T, p.Ile890Leu (NM_001330209.2); c.2368A>T, p.Ile790Leu (NM_001330210.2); short protein forms I790L, I930L, I890L.
Identifiers: ClinVar variation 1371054 (VCV001371054.9), dbSNP rs745495276, ClinGen allele CA10352084.

ClinVar aggregate classification (germline): Conflicting classifications of pathogenicity. Review status: criteria provided, conflicting classifications (1 of 4 stars). 2 submissions from 2 submitters: Uncertain significance (1); Benign (1). Last evaluated 2021-04-02.

Conditions:
Joubert syndrome. Also called: Familial aplasia of the vermis; JOUBERT-BOLTSHAUSER SYNDROME. Identifiers: Orphanet 475, MedGen C5979921, MONDO:0018772.
Orofaciodigital syndrome I (OFD1). Also called: Papillon-Leage and Psaume Syndrome; Oral-Facial-Digital Syndrome Type I; OFDS I. Identifiers: Orphanet 2750, MedGen C1510460, MONDO:0010702, OMIM 311200.

Allele frequency attached by ClinVar (database versions not stated): gnomAD exomes 0.00001 and 0.00005; gnomAD 0.00002; ExAC 0.00004; TOPMed 0.00004.
gnomAD v4.1: 12 of 1,177,004 alleles (0.001%); highest among the groups gnomAD compares: Admixed American, 0.022%; no homozygotes.

Submissions (2):

Labcorp Genetics (formerly Invitae), Labcorp
Classification: Uncertain significance for Orofaciodigital syndrome I; Joubert syndrome. Last evaluated: 2021-04-02. Review status: criteria provided, single submitter. Criteria: Invitae Variant Classification Sherloc (09022015). Collection method: clinical testing. Allele origin: germline.
Comment: In summary, the available evidence is currently insufficient to determine the role of this variant in disease. Therefore, it has been classified as a Variant of Uncertain Significance. Algorithms developed to predict the effect of missense changes on protein structure and function (SIFT, PolyPhen-2, Align-GVGD) all suggest that this variant is likely to be tolerated, but these predictions have not been confirmed by published functional studies and their clinical significance is uncertain. This variant has not been reported in the literature in individuals with OFD1-related conditions. This variant is present in population databases (rs745495276, ExAC 0.02%). This sequence change replaces isoleucine with leucine at codon 930 of the OFD1 protein (p.Ile930Leu). The isoleucine residue is weakly conserved and there is a small physicochemical difference between isoleucine and leucine.

Blueprint Genetics
Classification: Benign. Last evaluated: 2019-12-18. Review status: criteria provided, single submitter. Criteria: ACMG Guidelines, 2015. Collection method: clinical testing. Allele origin: germline.